The following is an entry in ClinVar:

ClinVar aggregate classification (germline): Likely benign (0 of 4 stars; one submission).

Conditions:
CRB2-related disorder. Also called: CRB2-related disorders; CRB2-related condition.

Allele frequency attached by ClinVar (database versions not stated): gnomAD exomes 0.00004; ExAC 0.00005; gnomAD 0.00005; TOPMed 0.00008; ESP Exome Variant Server 0.00031.

Submission:

PreventionGenetics, part of Exact Sciences
Classification: Likely benign for CRB2-related condition. Last evaluated: 2019-08-29. Review status: no assertion criteria provided. Collection method: clinical testing. Allele origin: germline.
Comment: This variant is classified as likely benign based on ACMG/AMP sequence variant interpretation guidelines (Richards et al. 2015 PMID: 25741868, with internal and published modifications).

NM_173689.7(CRB2):c.945C>T (p.Ala315=)

Gene: CRB2 (crumbs cell polarity complex component 2; plus strand). Cytogenetic location: 9q33.3.
Variant type: single nucleotide variant.
Coding change: c.945C>T on transcript NM_173689.7 (MANE Select); coding-DNA position 945, C replaced by T.
Protein change: p.Ala315=; no amino-acid change (alanine 315 retained).
Molecular consequence: synonymous variant.
Genome position (GRCh38, 1-based): chr9:123,367,577, C>T. VCF-style: chr9-123367577-C-T. GRCh37 (hg19) VCF-style: chr9-126129856-C-T.
Identifiers: ClinVar variation 3053514 (VCV003053514.2), dbSNP rs148313839, ClinGen allele CA5231854.